The following is an entry in ClinVar:

ClinVar aggregate classification (germline): Likely benign (1 of 4 stars; one submission).

gnomAD v4.1: 1,390 of 1,382,434 alleles (0.1%); highest among the groups gnomAD compares: African/African-American, 1.8%; 13 homozygotes.

Submission:

GeneDx
Classification: Likely benign. Last evaluated: 2021-05-24. Review status: criteria provided, single submitter. Criteria: GeneDx Variant Classification Process June 2021. Collection method: clinical testing. Allele origin: germline. Affected: yes.
Comment: See Variant Classification Assertion Criteria.

NM_003803.4(MYOM1):c.3576-47C>T

Gene: MYOM1 (myomesin 1; minus strand). Cytogenetic location: 18p11.31.
Variant type: single nucleotide variant.
Coding change: c.3576-47C>T on transcript NM_003803.4 (MANE Select); 47 bases into the intron before coding-DNA position 3576, C replaced by T.
Molecular consequence: intron variant.
Genome position (GRCh38, 1-based): chr18:3,100,473, G>A on the plus strand (C>T on the coding strand, the complement: MYOM1 is on the minus strand). VCF-style: chr18-3100473-G-A. GRCh37 (hg19) VCF-style: chr18-3100471-G-A.
Other names: c.3288-47C>T (NM_019856.2).
Identifiers: ClinVar variation 4813921 (VCV004813921.1).